The following is an entry in ClinVar:

NR_001564.3(XIST):n.10095T>C

Gene: XIST (X inactive specific transcript; minus strand). Cytogenetic location: Xq13.2.
Variant type: single nucleotide variant.
Genome position: GRCh38 VCF-style: chrX-73842620-A-G. GRCh37 (hg19) VCF-style: chrX-73062455-A-G.
Identifiers: ClinVar variation 3039016 (VCV003039016.2), dbSNP rs112769630, ClinGen allele CA10452691.

ClinVar aggregate classification (germline): Benign (0 of 4 stars; one submission).

Conditions:
XIST-related disorder. Also called: XIST-related condition.

Allele frequency attached by ClinVar (database versions not stated): gnomAD exomes 0.00795; ExAC 0.01568; gnomAD 0.04419; ESP Exome Variant Server 0.04819; 1000 Genomes Project 0.05060; TOPMed 0.05089; 1000 Genomes Project 30x 0.05619.
gnomAD v4.1: 8,588 of 556,661 alleles (1.5%); highest among the groups gnomAD compares: African/African-American, 15%; 390 homozygotes.

Submission:

PreventionGenetics, part of Exact Sciences
Classification: Benign for XIST-related condition. Last evaluated: 2020-01-20. Review status: no assertion criteria provided. Collection method: clinical testing. Allele origin: germline.
Comment: This variant is classified as benign based on ACMG/AMP sequence variant interpretation guidelines (Richards et al. 2015 PMID: 25741868, with internal and published modifications).